The following is an entry in ClinVar:

ClinVar aggregate classification (germline): Uncertain significance (1 of 4 stars; one submission).

Submission:

GeneDx
Classification: Uncertain significance. Last evaluated: 2022-05-12. Review status: criteria provided, single submitter. Criteria: GeneDx Variant Classification Process June 2021. Collection method: clinical testing. Allele origin: germline. Affected: yes.
Comment: Not observed at significant frequency in large population cohorts (gnomAD); In silico analysis supports that this missense variant does not alter protein structure/function; Has not been previously published as pathogenic or benign to our knowledge

NM_015330.6(SPECC1L):c.2923C>A (p.Gln975Lys)

Genes: SPECC1L (sperm antigen with calponin homology and coiled-coil domains 1 like; plus strand), SPECC1L-ADORA2A (SPECC1L-ADORA2A readthrough (NMD candidate); plus strand). Cytogenetic location: 22q11.23.
Variant type: single nucleotide variant.
Coding change: c.2923C>A on transcript NM_015330.6 (MANE Select); coding-DNA position 2923, C replaced by A.
Protein change: p.Gln975Lys; replaces glutamine 975 with lysine.
Molecular consequence: missense variant. On other transcripts: non-coding transcript variant (1).
Genome position (GRCh38, 1-based): chr22:24,365,571, C>A. VCF-style: chr22-24365571-C-A. GRCh37 (hg19) VCF-style: chr22-24761539-C-A.
Other names: c.2923C>A, p.Gln975Lys (NM_001145468.4, NM_001254732.3); c.121C>A, p.Gln41Lys (NM_001254733.2); short protein forms Q41K, Q975K.
Identifiers: ClinVar variation 1723684 (VCV001723684.2), dbSNP rs2517740073, ClinGen allele CA410961173.